The following is an entry in ClinVar:

ClinVar aggregate classification (germline): Conflicting classifications of pathogenicity. Review status: criteria provided, conflicting classifications (1 of 4 stars). 2 submissions from 1 submitter: Uncertain significance (1); Likely benign (1). Last evaluated 2018-01-13.

Conditions:
Freeman-Sheldon syndrome (DA2A). Also called: CRANIOCARPOTARSAL DYSPLASIA; CRANIOCARPOTARSAL DYSTROPHY; WHISTLING FACE-WINDMILL VANE HAND SYNDROME; Arthrogryposis, distal, type 2A (Freeman-Sheldon). Identifiers: Orphanet 2053, MedGen C0265224, MONDO:0008675, OMIM 193700.
Distal arthrogryposis type 2B1 (DA2B1). Also called: Arthrogryposis multiplex congenita distal type II with craniofacial abnormalities. Identifiers: Orphanet 1147, MedGen C5193014, MONDO:0020820, OMIM 601680.

Allele frequency attached by ClinVar (database versions not stated): ExAC 0.00006; ESP Exome Variant Server 0.00008; TOPMed 0.00009; gnomAD exomes 0.00012; gnomAD 0.00016.
gnomAD v4.1: 127 of 1,608,862 alleles (0.0079%); highest among the groups gnomAD compares: Middle Eastern, 0.017%; no homozygotes.

Submissions (2):

Illumina Laboratory Services, Illumina
Classification: Likely benign for Freeman-Sheldon syndrome. Last evaluated: 2018-01-13. Review status: criteria provided, single submitter. Criteria: ICSL Variant Classification Criteria 13 December 2019. Collection method: clinical testing. Allele origin: germline.
Comment: This variant was observed in the ICSL laboratory as part of a predisposition screen in an ostensibly healthy population. It had not been previously curated by ICSL or reported in the Human Gene Mutation Database (HGMD: prior to June 1st, 2018), and was therefore a candidate for classification through an automated scoring system. Utilizing variant allele frequency, disease prevalence and penetrance estimates, and inheritance mode, an automated score was calculated to assess if this variant is too frequent to cause the disease. Based on the score and internal cut-off values, a variant classified as likely benign is not then subjected to further curation. The score for this variant resulted in a classification of likely benign for this disease.

Illumina Laboratory Services, Illumina
Classification: Uncertain significance for Distal arthrogryposis type 2B1. Last evaluated: 2018-01-13. Review status: criteria provided, single submitter. Criteria: ICSL Variant Classification Criteria 13 December 2019. Collection method: clinical testing. Allele origin: germline.

NM_002470.4(MYH3):c.*39G>A

Gene: MYH3 (myosin heavy chain 3; minus strand). Cytogenetic location: 17p13.1.
Variant type: single nucleotide variant.
Coding change: c.*39G>A on transcript NM_002470.4 (MANE Select); 39 bases downstream of the stop codon, G replaced by A.
Molecular consequence: 3 prime UTR variant.
Genome position (GRCh38, 1-based): chr17:10,628,614, C>T on the plus strand (G>A on the coding strand, the complement: MYH3 is on the minus strand). VCF-style: chr17-10628614-C-T. GRCh37 (hg19) VCF-style: chr17-10531931-C-T.
Identifiers: ClinVar variation 321706 (VCV000321706.5), dbSNP rs372305218, ClinGen allele CA8391762.